The following is an entry in ClinVar:

ClinVar aggregate classification (germline): Likely benign. Review status: criteria provided, multiple submitters, no conflicts (2 of 4 stars). 2 submissions from 2 submitters: Likely benign (2). Last evaluated 2025-05-12.

Conditions:
LAMA2-related muscular dystrophy (LAMA2-RD). Also called: Laminin alpha 2-related dystrophy. Identifiers: MedGen C5679788, MONDO:0100228.

Allele frequency attached by ClinVar (database versions not stated): gnomAD 0.00001; gnomAD exomes 0.00001; TOPMed 0.00002.
gnomAD v4.1: 14 of 1,613,598 alleles (0.00087%); highest among the groups gnomAD compares: Admixed American, 0.0017%; no homozygotes.

Submissions (2):

Labcorp Genetics (formerly Invitae), Labcorp
Classification: Likely benign for LAMA2-related muscular dystrophy. Last evaluated: 2025-05-12. Review status: criteria provided, single submitter. Criteria: Invitae Variant Classification Sherloc (09022015). Collection method: clinical testing. Allele origin: germline.

GeneDx
Classification: Likely benign. Last evaluated: 2017-03-27. Review status: criteria provided, single submitter. Criteria: GeneDx Variant Classification (06012015). Collection method: clinical testing. Allele origin: germline. Affected: yes.
Comment: This variant is considered likely benign or benign based on one or more of the following criteria: it is a conservative change, it occurs at a poorly conserved position in the protein, it is predicted to be benign by multiple in silico algorithms, and/or has population frequency not consistent with disease.

NM_000426.4(LAMA2):c.8937G>C (p.Gly2979=)

Gene: LAMA2 (laminin subunit alpha 2; plus strand). Cytogenetic location: 6q22.33.
Variant type: single nucleotide variant.
Coding change: c.8937G>C on transcript NM_000426.4 (MANE Select); coding-DNA position 8937, G replaced by C.
Protein change: p.Gly2979=; no amino-acid change (glycine 2979 retained).
Molecular consequence: synonymous variant.
Genome position (GRCh38, 1-based): chr6:129,512,442, G>C. VCF-style: chr6-129512442-G-C. GRCh37 (hg19) VCF-style: chr6-129833587-G-C.
Other names: c.8925G>C, p.Gly2975= (NM_001079823.2).
Identifiers: ClinVar variation 508360 (VCV000508360.12), dbSNP rs1194078171, ClinGen allele CA451936071.